The following is an entry in ClinVar:

ClinVar aggregate classification (germline): Uncertain significance (1 of 4 stars; one submission).

Conditions:
MOGS-congenital disorder of glycosylation. Also called: GLUCOSIDASE I DEFICIENCY; MOGS-CDG; CDG IIb; CDG 2B. Identifiers: Orphanet 79330, MedGen C1853736, MONDO:0011629, OMIM 606056.

Allele frequency attached by ClinVar (database versions not stated): gnomAD exomes 0.00001.

Submission:

Labcorp Genetics (formerly Invitae), Labcorp
Classification: Uncertain significance for MOGS-congenital disorder of glycosylation. Last evaluated: 2021-01-19. Review status: criteria provided, single submitter. Criteria: Invitae Variant Classification Sherloc (09022015). Collection method: clinical testing. Allele origin: germline.
Comment: This sequence change replaces serine with cysteine at codon 249 of the MOGS protein (p.Ser249Cys). The serine residue is weakly conserved and there is a moderate physicochemical difference between serine and cysteine. This variant is not present in population databases (ExAC no frequency). This variant has not been reported in the literature in individuals with MOGS-related conditions. Algorithms developed to predict the effect of missense changes on protein structure and function are either unavailable or do not agree on the potential impact of this missense change (SIFT: "Deleterious"; PolyPhen-2: "Possibly Damaging"; Align-GVGD: "Class C15"). In summary, the available evidence is currently insufficient to determine the role of this variant in disease. Therefore, it has been classified as a Variant of Uncertain Significance.

NM_006302.3(MOGS):c.745A>T (p.Ser249Cys)

Gene: MOGS (mannosyl-oligosaccharide glucosidase; minus strand). Cytogenetic location: 2p13.1.
Variant type: single nucleotide variant.
Coding change: c.745A>T on transcript NM_006302.3 (MANE Select); coding-DNA position 745, A replaced by T.
Protein change: p.Ser249Cys; replaces serine 249 with cysteine.
Molecular consequence: missense variant.
Genome position (GRCh38, 1-based): chr2:74,463,221, T>A on the plus strand (A>T on the coding strand, the complement: MOGS is on the minus strand). VCF-style: chr2-74463221-T-A. GRCh37 (hg19) VCF-style: chr2-74690348-T-A.
Other names: c.427A>T, p.Ser143Cys (NM_001146158.2); short protein forms S143C, S249C.
Identifiers: ClinVar variation 859468 (VCV000859468.10), dbSNP rs1407300243, ClinGen allele CA347379577.